The following is an entry in ClinVar:

ClinVar aggregate classification (germline): Conflicting classifications of pathogenicity. Review status: criteria provided, conflicting classifications (1 of 4 stars). 4 submissions from 4 submitters: Uncertain significance (2); Likely benign (1). 1 of the submissions does not count toward it. Last evaluated 2025-07-21.

Conditions:
Hereditary cancer-predisposing syndrome. Also called: Neoplastic Syndromes, Hereditary; Tumor predisposition; Hereditary neoplastic syndrome; Hereditary Cancer Syndrome. Identifiers: Orphanet 140162, MedGen C0027672, MeSH D009386, MONDO:0015356.
Hereditary breast ovarian cancer syndrome. Also called: Hereditary breast and ovarian cancer syndrome; Hereditary breast and ovarian cancer; Hereditary breast and ovarian cancer syndrome (HBOC); Breast and ovarian cancer; Hereditary breast and/or ovarian cancer syndrome; BRCA1- and BRCA2-Associated Hereditary Breast and Ovarian Cancer. Identifiers: Orphanet 145, MedGen C0677776, MeSH D061325, MONDO:0003582. Disease mechanism: loss of function.
Breast-ovarian cancer, familial, susceptibility to, 2 (BROVCA2). Also called: BRCA2 Hereditary Breast and Ovarian Cancer. Identifiers: Orphanet 145, MedGen C2675520, MONDO:0012933, OMIM 612555. Disease mechanism: loss of function.

Allele frequency attached by ClinVar (database versions not stated): gnomAD exomes below 0.00001.
gnomAD v4.1: 2 of 1,614,002 alleles (0.00012%); highest among the groups gnomAD compares: East Asian, 0.0045%; no homozygotes.

Submissions (4):

Labcorp Genetics (formerly Invitae), Labcorp
Classification: Uncertain significance for Hereditary breast ovarian cancer syndrome. Last evaluated: 2025-07-21. Review status: criteria provided, single submitter. Criteria: Invitae Variant Classification Sherloc (09022015). Collection method: clinical testing. Allele origin: germline.
Comment: This sequence change replaces isoleucine, which is neutral and non-polar, with methionine, which is neutral and non-polar, at codon 3103 of the BRCA2 protein (p.Ile3103Met). This variant is not present in population databases (gnomAD no frequency). This missense change has been observed in individual(s) with personal and/or family history of breast or ovarian cancer (PMID: 28111427). ClinVar contains an entry for this variant (Variation ID: 52811). Invitae Evidence Modeling of protein sequence and biophysical properties (such as structural, functional, and spatial information, amino acid conservation, physicochemical variation, residue mobility, and thermodynamic stability) indicates that this missense variant is not expected to disrupt BRCA2 protein function with a negative predictive value of 95%. In summary, the available evidence is currently insufficient to determine the role of this variant in disease. Therefore, it has been classified as a Variant of Uncertain Significance.

Ambry Genetics
Classification: Likely benign for Hereditary cancer-predisposing syndrome. Last evaluated: 2025-05-15. Review status: criteria provided, single submitter. Criteria: Ambry Variant Classification Scheme 2023. Collection method: clinical testing. Allele origin: germline.

Color Diagnostics, LLC DBA Color Health
Classification: Uncertain significance for Hereditary cancer-predisposing syndrome. Last evaluated: 2019-12-14. Review status: criteria provided, single submitter. Criteria: ACMG Guidelines, 2015. Collection method: clinical testing. Allele origin: germline.
Comment: This missense variant replaces isoleucine with methionine at codon 3103 of the BRCA2 protein. Computational prediction is inconclusive regarding the impact of this variant on protein structure and function (internally defined REVEL score threshold 0.5 < inconclusive < 0.7, PMID: 27666373). Splice site prediction tools suggest that this variant may not impact RNA splicing. To our knowledge, functional studies have not been performed for this variant. This variant has been reported in an individual affected with ductal carcinoma (PMID: 21218378). This variant has not been identified in the general population by the Genome Aggregation Database (gnomAD). The available evidence is insufficient to determine the role of this variant in disease conclusively. Therefore, this variant is classified as a Variant of Uncertain Significance.

Breast Cancer Information Core (BIC) (BRCA2)
Classification: Uncertain significance for Breast-ovarian cancer, familial 2. Last evaluated: 2001-10-29. Review status: no assertion criteria provided. Collection method: clinical testing. Allele origin: germline. Affected: yes. Observed: 1 variant allele. Not counted in ClinVar's aggregate classification.

Literature cited by the submitters: PubMed 28111427 (cited by Labcorp Genetics (formerly Invitae), Labcorp); PubMed 19043619 (cited by Ambry Genetics).

NM_000059.4(BRCA2):c.9309A>G (p.Ile3103Met)

Gene: BRCA2 (BRCA2 DNA repair associated; plus strand). Cytogenetic location: 13q13.1.
Variant type: single nucleotide variant.
Coding change: c.9309A>G on transcript NM_000059.4 (MANE Select); coding-DNA position 9309, A replaced by G.
Protein change: p.Ile3103Met; replaces isoleucine 3103 with methionine.
Molecular consequence: missense variant.
Genome position (GRCh38, 1-based): chr13:32,394,741, A>G. VCF-style: chr13-32394741-A-G. GRCh37 (hg19) VCF-style: chr13-32968878-A-G.
Other names: short protein forms I3103M.
Identifiers: ClinVar variation 52811 (VCV000052811.21), dbSNP rs80359204, ClinGen allele CA026101.